The following is an entry in ClinVar:

NM_001844.5(COL2A1):c.2392G>A (p.Gly798Ser)

Gene: COL2A1 (collagen type II alpha 1 chain; minus strand). Cytogenetic location: 12q13.11.
Variant type: single nucleotide variant.
Coding change: c.2392G>A on transcript NM_001844.5 (MANE Select); coding-DNA position 2392, G replaced by A.
Protein change: p.Gly798Ser; replaces glycine 798 with serine.
Molecular consequence: missense variant.
Genome position (GRCh38, 1-based): chr12:47,981,793, C>T on the plus strand (G>A on the coding strand, the complement: COL2A1 is on the minus strand). VCF-style: chr12-47981793-C-T. GRCh37 (hg19) VCF-style: chr12-48375576-C-T.
Other names: c.2185G>A, p.Gly729Ser (NM_033150.3); short protein forms G798S, G729S.
Identifiers: ClinVar variation 1523485 (VCV001523485.6), dbSNP rs2136544686, ClinGen allele CA384545453.

ClinVar aggregate classification (germline): Likely pathogenic (1 of 4 stars; one submission).

Submission:

Labcorp Genetics (formerly Invitae), Labcorp
Classification: Likely pathogenic. Last evaluated: 2021-08-19. Review status: criteria provided, single submitter. Criteria: Invitae Variant Classification Sherloc (09022015). Collection method: clinical testing. Allele origin: germline.
Comment: This sequence change replaces glycine with serine at codon 798 of the COL2A1 protein (p.Gly798Ser). The glycine residue is highly conserved and there is a small physicochemical difference between glycine and serine. This variant is not present in population databases (ExAC no frequency). This missense change has been observed in individual(s) with clinical features of Legg-Calve-Perthes disease (Invitae). Advanced modeling of protein sequence and biophysical properties (such as structural, functional, and spatial information, amino acid conservation, physicochemical variation, residue mobility, and thermodynamic stability) performed at Invitae indicates that this missense variant is expected to disrupt COL2A1 protein function. This variant disrupts the triple helix domain of COL2A1. Glycine residues within the Gly-Xaa-Yaa repeats of the triple helix domain are required for the structure and stability of fibrillar collagens (PMID: 7695699, 8218237, 19344236). In COL2A1, variants affecting these glycine residues are significantly enriched in individuals with disease (PMID: 9016532, 17078022) compared to the general population (ExAC). In summary, the currently available evidence indicates that the variant is pathogenic, but additional data are needed to prove that conclusively. Therefore, this variant has been classified as Likely Pathogenic.

Literature cited by the submitters: PubMed 7695699; PubMed 8218237; PubMed 19344236; PubMed 9016532; PubMed 17078022.